The following is an entry in ClinVar:

NM_015459.5(ATL3):c.155A>G (p.Gln52Arg)

Gene: ATL3 (atlastin GTPase 3; minus strand). Cytogenetic location: 11q13.1.
Variant type: single nucleotide variant.
Coding change: c.155A>G on transcript NM_015459.5 (MANE Select); coding-DNA position 155, A replaced by G.
Protein change: p.Gln52Arg; replaces glutamine 52 with arginine.
Molecular consequence: missense variant.
Genome position (GRCh38, 1-based): chr11:63,659,144, T>C on the plus strand (A>G on the coding strand, the complement: ATL3 is on the minus strand). VCF-style: chr11-63659144-T-C. GRCh37 (hg19) VCF-style: chr11-63426616-T-C.
Other names: c.155A>G (NM_015459.3); c.101A>G, p.Gln34Arg (NM_001290048.2); short protein forms Q52R, Q34R.
Identifiers: ClinVar variation 856784 (VCV000856784.12), dbSNP rs746460770, ClinGen allele CA6063870.
Genomic context (GRCh38, chr11:63,659,144, plus strand): 5'-CCCTTTCGGAAGGCACCAGCCACTGAAACCACCACCACATCAAGATCTCGGATGTGGTCC[T>C]GCAAGAGGATGCTGGCCAAGGCTTTCTCATCTAGCTCAAAGGAATGTTGATCTTTCTGAA-3'
Protein context (NP_056274.3, residues 42-62): DEKALASILL[Gln52Arg]DHIRDLDVVV

ClinVar aggregate classification (germline): Uncertain significance. Review status: criteria provided, multiple submitters, no conflicts (2 of 4 stars). 3 submissions from 3 submitters: Uncertain significance (3). Last evaluated 2026-07-07.

Conditions:
ATL3-related disorder. Also called: ATL3-related condition.
Inborn genetic diseases. Identifiers: MedGen C0950123, MeSH D030342.
Neuropathy, hereditary sensory, type 1F. Also called: HSN IF; Hereditary sensory neuropathy type IF. Identifiers: Orphanet 36386, MedGen C3810194, MONDO:0014286, OMIM 615632.

Allele frequency attached by ClinVar (database versions not stated): gnomAD exomes below 0.00001 and 0.00001; ExAC 0.00001; TOPMed 0.00001.
gnomAD v4.1: 11 of 1,614,044 alleles (0.00068%); highest among the groups gnomAD compares: African/African-American, 0.0027%; no homozygotes.

Submissions (3):

PreventionGenetics, part of Exact Sciences
Classification: Uncertain significance for ATL3-related condition. Last evaluated: 2026-07-07. Review status: criteria provided, single submitter. Criteria: ACMG Guidelines, 2015. Collection method: clinical testing. Allele origin: germline.
Comment: The ATL3 c.155A>G variant is predicted to result in the amino acid substitution p.Gln52Arg. To our knowledge, this variant has not been reported in the literature. This variant is reported in 0.0018% of alleles in individuals of European (Non-Finnish) descent in gnomAD. At this time, the clinical significance of this variant is uncertain due to the absence of conclusive functional and genetic evidence.

Labcorp Genetics (formerly Invitae), Labcorp
Classification: Uncertain significance for Neuropathy, hereditary sensory, type 1F. Last evaluated: 2025-09-02. Review status: criteria provided, single submitter. Criteria: Invitae Variant Classification Sherloc (09022015). Collection method: clinical testing. Allele origin: germline.
Comment: This sequence change replaces glutamine, which is neutral and polar, with arginine, which is basic and polar, at codon 52 of the ATL3 protein (p.Gln52Arg). This variant is present in population databases (rs746460770, gnomAD 0.002%). This variant has not been reported in the literature in individuals affected with ATL3-related conditions. ClinVar contains an entry for this variant (Variation ID: 856784). An algorithm developed to predict the effect of missense changes on protein structure and function (PolyPhen-2) suggests that this variant is likely to be disruptive. In summary, the available evidence is currently insufficient to determine the role of this variant in disease. Therefore, it has been classified as a Variant of Uncertain Significance.

Ambry Genetics
Classification: Uncertain significance for Inborn genetic diseases. Last evaluated: 2023-09-13. Review status: criteria provided, single submitter. Criteria: Ambry Variant Classification Scheme 2023. Collection method: clinical testing. Allele origin: germline.